The following is an entry in ClinVar:

ClinVar aggregate classification (germline): Uncertain significance (1 of 4 stars; one submission).

Submission:

Labcorp Genetics (formerly Invitae), Labcorp
Classification: Uncertain significance. Last evaluated: 2020-08-15. Review status: criteria provided, single submitter. Criteria: Invitae Variant Classification Sherloc (09022015). Collection method: clinical testing. Allele origin: germline.
Comment: In summary, the available evidence is currently insufficient to determine the role of this variant in disease. Therefore, it has been classified as a Variant of Uncertain Significance. Nucleotide substitutions within the consensus splice site are a relatively common cause of aberrant splicing (PMID: 17576681, 9536098). Algorithms developed to predict the effect of sequence changes on RNA splicing suggest that this variant may create or strengthen a splice site, but this prediction has not been confirmed by published transcriptional studies. This variant has not been reported in the literature in individuals with RXYLT1-related conditions. The frequency data for this variant in the population databases is considered unreliable, as metrics indicate insufficient coverage at this position in the ExAC database. This sequence change falls in intron 1 of the RXYLT1 gene. It does not directly change the encoded amino acid sequence of the RXYLT1 protein, but it affects a nucleotide within the consensus splice site of the intron.

Literature cited by the submitters: PubMed 17576681; PubMed 9536098.

NM_014254.3(RXYLT1):c.169+6A>T

Gene: RXYLT1 (ribitol xylosyltransferase 1; plus strand). Cytogenetic location: 12q14.2.
Variant type: single nucleotide variant.
Coding change: c.169+6A>T on transcript NM_014254.3 (MANE Select); 6 bases into the intron after coding-DNA position 169, A replaced by T.
Molecular consequence: intron variant. On other transcripts: 5 prime UTR variant (1).
Genome position (GRCh38, 1-based): chr12:63,780,135, A>T. VCF-style: chr12-63780135-A-T. GRCh37 (hg19) VCF-style: chr12-64173915-A-T.
Other names: c.-939A>T (NM_001278237.2).
Identifiers: ClinVar variation 1044593 (VCV001044593.8), dbSNP rs1897640975, ClinGen allele CA2041868450.